The following is an entry in ClinVar:

ClinVar aggregate classification (germline): Uncertain significance (1 of 4 stars; one submission).

Allele frequency attached by ClinVar (database versions not stated): gnomAD exomes below 0.00001; TOPMed below 0.00001; gnomAD 0.00001.

Submission:

Labcorp Genetics (formerly Invitae), Labcorp
Classification: Uncertain significance. Last evaluated: 2023-04-11. Review status: criteria provided, single submitter. Criteria: Invitae Variant Classification Sherloc (09022015). Collection method: clinical testing. Allele origin: germline.
Comment: In summary, the available evidence is currently insufficient to determine the role of this variant in disease. Therefore, it has been classified as a Variant of Uncertain Significance. Advanced modeling of protein sequence and biophysical properties (such as structural, functional, and spatial information, amino acid conservation, physicochemical variation, residue mobility, and thermodynamic stability) performed at Invitae indicates that this missense variant is not expected to disrupt USH1G protein function. ClinVar contains an entry for this variant (Variation ID: 1499213). This variant has not been reported in the literature in individuals affected with USH1G-related conditions. This variant is present in population databases (no rsID available, gnomAD 0.0009%). This sequence change replaces asparagine, which is neutral and polar, with aspartic acid, which is acidic and polar, at codon 361 of the USH1G protein (p.Asn361Asp).

NM_173477.5(USH1G):c.1081A>G (p.Asn361Asp)

Gene: USH1G (USH1 protein network component sans; minus strand). Cytogenetic location: 17q25.1.
Variant type: single nucleotide variant.
Coding change: c.1081A>G on transcript NM_173477.5 (MANE Select); coding-DNA position 1081, A replaced by G.
Protein change: p.Asn361Asp; replaces asparagine 361 with aspartic acid.
Molecular consequence: missense variant.
Genome position (GRCh38, 1-based): chr17:74,919,755, T>C on the plus strand (A>G on the coding strand, the complement: USH1G is on the minus strand). VCF-style: chr17-74919755-T-C. GRCh37 (hg19) VCF-style: chr17-72915850-T-C.
Other names: c.772A>G, p.Asn258Asp (NM_001282489.3); short protein forms N258D, N361D.
Identifiers: ClinVar variation 1499213 (VCV001499213.6), dbSNP rs1163700439, ClinGen allele CA400961816.